The following is an entry in ClinVar:

ClinVar aggregate classification (germline): Uncertain significance. Review status: criteria provided, multiple submitters, no conflicts (2 of 4 stars). 2 submissions from 2 submitters: Uncertain significance (2). Last evaluated 2025-11-26.

Conditions:
Inborn genetic diseases. Identifiers: MedGen C0950123, MeSH D030342.

Allele frequency attached by ClinVar (database versions not stated): TOPMed below 0.00001.
gnomAD v4.1: 3 of 1,612,474 alleles (0.00019%); highest among the groups gnomAD compares: Non-Finnish European, 0.00025%; no homozygotes.

Submissions (2):

Ambry Genetics
Classification: Uncertain significance for Inborn genetic diseases. Last evaluated: 2025-11-26. Review status: criteria provided, single submitter. Criteria: Ambry Variant Classification Scheme 2023. Collection method: clinical testing. Allele origin: germline.

Labcorp Genetics (formerly Invitae), Labcorp
Classification: Uncertain significance. Last evaluated: 2023-11-28. Review status: criteria provided, single submitter. Criteria: Invitae Variant Classification Sherloc (09022015). Collection method: clinical testing. Allele origin: germline.
Comment: This sequence change replaces glutamic acid, which is acidic and polar, with aspartic acid, which is acidic and polar, at codon 494 of the AP3D1 protein (p.Glu494Asp). This variant is present in population databases (no rsID available, gnomAD 0.007%). This variant has not been reported in the literature in individuals affected with AP3D1-related conditions. An algorithm developed to predict the effect of missense changes on protein structure and function (PolyPhen-2) suggests that this variant is likely to be tolerated. In summary, the available evidence is currently insufficient to determine the role of this variant in disease. Therefore, it has been classified as a Variant of Uncertain Significance.

NM_001261826.3(AP3D1):c.1482G>C (p.Glu494Asp)

Gene: AP3D1 (adaptor related protein complex 3 subunit delta 1; minus strand). Cytogenetic location: 19p13.3.
Variant type: single nucleotide variant.
Coding change: c.1482G>C on transcript NM_001261826.3 (MANE Select); coding-DNA position 1482, G replaced by C.
Protein change: p.Glu494Asp; replaces glutamic acid 494 with aspartic acid.
Molecular consequence: missense variant.
Genome position (GRCh38, 1-based): chr19:2,118,832, C>G on the plus strand (G>C on the coding strand, the complement: AP3D1 is on the minus strand). VCF-style: chr19-2118832-C-G. GRCh37 (hg19) VCF-style: chr19-2118831-C-G.
Other names: c.1482G>C, p.Glu494Asp (NM_001374799.1, NM_003938.8); c.1482G>C (NM_003938.5); short protein forms E494D.
Identifiers: ClinVar variation 2718679 (VCV002718679.4), dbSNP rs537818530, ClinGen allele CA403222386.